The following is an entry in ClinVar:

ClinVar aggregate classification (germline): Uncertain significance (1 of 4 stars; one submission).

Conditions:
Weaver syndrome (WVS). Also called: Weaver Smith syndrome; Overgrowth syndrome with accelerated skeletal maturation, unusual facies, and camptodactyly. Identifiers: Orphanet 3447, MedGen C0265210, MONDO:0010193, OMIM 277590.

Submission:

Labcorp Genetics (formerly Invitae), Labcorp
Classification: Uncertain significance for Weaver syndrome. Last evaluated: 2022-01-27. Review status: criteria provided, single submitter. Criteria: Invitae Variant Classification Sherloc (09022015). Collection method: clinical testing. Allele origin: germline.
Comment: This sequence change replaces isoleucine, which is neutral and non-polar, with methionine, which is neutral and non-polar, at codon 348 of the EZH2 protein (p.Ile348Met). In summary, the available evidence is currently insufficient to determine the role of this variant in disease. Therefore, it has been classified as a Variant of Uncertain Significance. Advanced modeling of protein sequence and biophysical properties (such as structural, functional, and spatial information, amino acid conservation, physicochemical variation, residue mobility, and thermodynamic stability) performed at Invitae indicates that this missense variant is not expected to disrupt EZH2 protein function. This variant has not been reported in the literature in individuals affected with EZH2-related conditions. This variant is not present in population databases (gnomAD no frequency).

NM_004456.5(EZH2):c.1044A>G (p.Ile348Met)

Gene: EZH2 (enhancer of zeste 2 polycomb repressive complex 2 subunit; minus strand). Cytogenetic location: 7q36.1.
Variant type: single nucleotide variant.
Coding change: c.1044A>G on transcript NM_004456.5 (MANE Select); coding-DNA position 1044, A replaced by G.
Protein change: p.Ile348Met; replaces isoleucine 348 with methionine.
Molecular consequence: missense variant.
Genome position (GRCh38, 1-based): chr7:148,818,073, T>C on the plus strand (A>G on the coding strand, the complement: EZH2 is on the minus strand). VCF-style: chr7-148818073-T-C. GRCh37 (hg19) VCF-style: chr7-148515165-T-C.
Other names: c.1029A>G, p.Ile343Met (NM_001203247.2); c.1002A>G, p.Ile334Met (NM_001203248.2, NM_001203249.2); c.912A>G, p.Ile304Met (NM_152998.3); short protein forms I348M, I304M, I343M, I334M.
Identifiers: ClinVar variation 1446381 (VCV001446381.8), dbSNP rs2129471812, ClinGen allele CA369716988.